The following is an entry in ClinVar:

NC_000010.10:g.(?_55849744)_(55955649_?)del

Gene: PCDH15 (protocadherin related 15; minus strand). Cytogenetic location: 10q21.1.
Variant type: Deletion.
Identifiers: ClinVar variation 1074678 (VCV001074678.5).

ClinVar aggregate classification (germline): Pathogenic (1 of 4 stars; one submission).

Submission:

Labcorp Genetics (formerly Invitae), Labcorp
Classification: Pathogenic. Last evaluated: 2020-02-03. Review status: criteria provided, single submitter. Criteria: Invitae Variant Classification Sherloc (09022015). Collection method: clinical testing. Allele origin: germline.
Comment: For these reasons, this variant has been classified as Pathogenic. Loss-of-function variants in PCDH15 are known to be pathogenic (PMID: 11398101, 11487575, 14570705). This variant has not been reported in the literature in individuals with PCDH15-related conditions. This variant is an out-of-frame deletion of the genomic region encompassing exon(s) 11-16 of the PCDH15 gene. This is expected to create a premature translational stop signal and result in an absent or disrupted protein product.

Literature cited by the submitters: PubMed 11398101; PubMed 11487575; PubMed 14570705.